The following is an entry in ClinVar:

ClinVar aggregate classification (germline): Uncertain significance (1 of 4 stars; one submission).

Conditions:
Zellweger spectrum disorders (ZS). Also called: Zellweger Spectrum Disorder; Zellweger Spectrum; Zellweger syndrome; Zellweger Spectrum Disorder (ZSD). Identifiers: Orphanet 912, MedGen C0043459, MONDO:0019609.

Submission:

Labcorp Genetics (formerly Invitae), Labcorp
Classification: Uncertain significance for Zellweger spectrum disorders. Last evaluated: 2022-01-26. Review status: criteria provided, single submitter. Criteria: Invitae Variant Classification Sherloc (09022015). Collection method: clinical testing. Allele origin: germline.
Comment: In summary, the available evidence is currently insufficient to determine the role of this variant in disease. Therefore, it has been classified as a Variant of Uncertain Significance. This variant has not been reported in the literature in individuals affected with PEX1-related conditions. This variant results in a copy number gain of the genomic region encompassing exon(s) 2-24 of the PEX1 gene. This region includes the termination codon of the gene. This copy number gain extends beyond the assayed region for this gene and therefore may encompass additional genes. As the precise location of this event is unknown, it may be in tandem or it may be located elsewhere in the genome.

NC_000007.13:g.(?_92116771)_(92151579_?)dup

Gene: PEX1 (peroxisomal biogenesis factor 1; minus strand). Cytogenetic location: 7q21.2.
Variant type: Duplication.
Identifiers: ClinVar variation 2423141 (VCV002423141.4).